The following is an entry in ClinVar:

ClinVar aggregate classification (germline): Conflicting classifications of pathogenicity. Review status: criteria provided, conflicting classifications (1 of 4 stars). 5 submissions from 5 submitters: Uncertain significance (4); Likely benign (1). Last evaluated 2023-06-05.

Conditions:
Inborn genetic diseases. Identifiers: MedGen C0950123, MeSH D030342.
Kufor-Rakeb syndrome (KRS). Also called: PARKINSON DISEASE 9, AUTOSOMAL RECESSIVE, JUVENILE-ONSET. Identifiers: Orphanet 306674, Orphanet 314632, MedGen C1847640, MONDO:0011706, OMIM 606693.
Autosomal recessive spastic paraplegia type 78. Identifiers: Orphanet 513436, MedGen C5567893, MONDO:0014975, OMIM 617225.

Allele frequency attached by ClinVar (database versions not stated): gnomAD exomes 0.00011 and 0.00008; 1000 Genomes Project 30x 0.00016; gnomAD 0.00004 and 0.00006; TOPMed 0.00005; ExAC 0.00008.
gnomAD v4.1: 166 of 1,614,174 alleles (0.01%); highest among the groups gnomAD compares: South Asian, 0.024%; 1 homozygote.

Submissions (5):

GeneDx
Classification: Uncertain significance. Last evaluated: 2023-06-05. Review status: criteria provided, single submitter. Criteria: GeneDx Variant Classification Process June 2021. Collection method: clinical testing. Allele origin: germline. Affected: yes.
Comment: In silico analysis supports that this missense variant has a deleterious effect on protein structure/function; Has not been previously published as pathogenic or benign to our knowledge

Labcorp Genetics (formerly Invitae), Labcorp
Classification: Uncertain significance for Kufor-Rakeb syndrome; Autosomal recessive spastic paraplegia type 78. Last evaluated: 2023-03-10. Review status: criteria provided, single submitter. Criteria: Invitae Variant Classification Sherloc (09022015). Collection method: clinical testing. Allele origin: germline.
Comment: In summary, the available evidence is currently insufficient to determine the role of this variant in disease. Therefore, it has been classified as a Variant of Uncertain Significance. Advanced modeling of protein sequence and biophysical properties (such as structural, functional, and spatial information, amino acid conservation, physicochemical variation, residue mobility, and thermodynamic stability) performed at Invitae indicates that this missense variant is not expected to disrupt ATP13A2 protein function. ClinVar contains an entry for this variant (Variation ID: 626063). This variant has not been reported in the literature in individuals affected with ATP13A2-related conditions. This variant is present in population databases (rs768674400, gnomAD 0.03%). This sequence change replaces valine, which is neutral and non-polar, with methionine, which is neutral and non-polar, at codon 916 of the ATP13A2 protein (p.Val916Met).

Fulgent Genetics
Classification: Uncertain significance for Kufor-Rakeb syndrome; Autosomal recessive spastic paraplegia type 78. Last evaluated: 2021-10-29. Review status: criteria provided, single submitter. Criteria: ACMG Guidelines, 2015. Collection method: clinical testing. Allele origin: unknown.

Ambry Genetics
Classification: Likely benign for Inborn genetic diseases. Last evaluated: 2021-02-16. Review status: criteria provided, single submitter. Criteria: Ambry Variant Classification Scheme 2023. Collection method: clinical testing. Allele origin: germline.

Center for Genomics, Ann and Robert H. Lurie Children's Hospital of Chicago
Classification: Uncertain significance for Autosomal recessive spastic paraplegia type 78; Kufor-Rakeb syndrome. Review status: criteria provided, single submitter. Criteria: ACMG Guidelines, 2015. Collection method: clinical testing. Allele origin: germline.
Comment: ATP13A2 NM_022089.3 exon 24 p.Val916Met (c.2746G>A): This variant has not been reported in the literature but is present in 0.02% (9/30616) of South Asian alleles, including 1 homozyote, in the Genome Aggregation Database. Evolutionary conservation and computational predictive tools suggest that this variant may impact the protein. In summary, data on this variant is insufficient for disease classification. Therefore, the clinical significance of this variant is uncertain

NM_022089.4(ATP13A2):c.2746G>A (p.Val916Met)

Gene: ATP13A2 (ATPase cation transporting 13A2; minus strand). Cytogenetic location: 1p36.13.
Variant type: single nucleotide variant.
Coding change: c.2746G>A on transcript NM_022089.4 (MANE Select); coding-DNA position 2746, G replaced by A.
Protein change: p.Val916Met; replaces valine 916 with methionine.
Molecular consequence: missense variant.
Genome position (GRCh38, 1-based): chr1:16,988,338, C>T on the plus strand (G>A on the coding strand, the complement: ATP13A2 is on the minus strand). VCF-style: chr1-16988338-C-T. GRCh37 (hg19) VCF-style: chr1-17314833-C-T.
Other names: c.2731G>A, p.Val911Met (NM_001141973.3); c.2614G>A, p.Val872Met (NM_001141974.3); short protein forms V916M, V872M, V911M.
Identifiers: ClinVar variation 626063 (VCV000626063.14), dbSNP rs768674400, ClinGen allele CA636727.